The following is an entry in ClinVar:

NM_001161352.2(KCNMA1):c.3383A>C (p.Lys1128Thr)

Genes: KCNMA1 (potassium calcium-activated channel subfamily M alpha 1; minus strand), KCNMA1-AS1 (KCNMA1 antisense RNA 1; plus strand). Cytogenetic location: 10q22.3.
Variant type: single nucleotide variant.
Coding change: c.3383A>C on transcript NM_001161352.2 (MANE Select); coding-DNA position 3383, A replaced by C.
Protein change: p.Lys1128Thr; replaces lysine 1128 with threonine.
Molecular consequence: missense variant.
Genome position (GRCh38, 1-based): chr10:76,889,529, T>G on the plus strand (A>C on the coding strand, the complement: KCNMA1 is on the minus strand). VCF-style: chr10-76889529-T-G. GRCh37 (hg19) VCF-style: chr10-78649287-T-G.
Other names: c.3221A>C, p.Lys1074Thr (NM_001014797.3); c.3332A>C, p.Lys1111Thr (NM_001161353.2); c.3059A>C, p.Lys1020Thr (NM_001271518.2); c.3299A>C, p.Lys1100Thr (NM_001271519.2); c.3218A>C, p.Lys1073Thr (NM_001322829.2, NM_001322836.2); c.3311A>C, p.Lys1104Thr (NM_001322830.2); c.3209A>C, p.Lys1070Thr (NM_001322832.2, NM_001410940.1, NM_002247.4); c.3302A>C, p.Lys1101Thr (NM_001322835.2, NM_001322837.2); and 3 more; short protein forms K1074T, K1104T, K1070T, K1111T, K1114T, K1020T, K1073T, K1100T.
Identifiers: ClinVar variation 4087924 (VCV004087924.1).
Genomic context (GRCh38, chr10:76,889,529, plus strand): 5'-GGGGTGCTGAGGTGAGCATCTCTCAGCCGGTAAATTCCAAAACAAAGCATATTATATGTT[T>G]TCAGAGCTTTGCAGAACAGATCACCATAACAACCACCATCCTGGGAGACAGCAAAAGAAC-3'
Protein context (NP_001154824.1, residues 1118-1138): CYGDLFCKAL[Lys1128Thr]TYNMLCFGIY

ClinVar aggregate classification (germline): Uncertain significance (1 of 4 stars; one submission).

Submission:

GeneDx
Classification: Uncertain significance. Last evaluated: 2025-03-23. Review status: criteria provided, single submitter. Criteria: GeneDx Variant Classification Process June 2021. Collection method: clinical testing. Allele origin: germline. Affected: yes.
Comment: Not observed at significant frequency in large population cohorts (gnomAD); In silico analysis supports that this missense variant has a deleterious effect on protein structure/function; Has not been previously published as pathogenic or benign to our knowledge